The following is an entry in ClinVar:

NM_004168.4(SDHA):c.432G>T (p.Glu144Asp)

Gene: SDHA (succinate dehydrogenase complex flavoprotein subunit A; plus strand). Cytogenetic location: 5p15.33.
Variant type: single nucleotide variant.
Coding change: c.432G>T on transcript NM_004168.4 (MANE Select); coding-DNA position 432, G replaced by T.
Protein change: p.Glu144Asp; replaces glutamic acid 144 with aspartic acid.
Molecular consequence: missense variant. On other transcripts: intron variant (1).
Genome position (GRCh38, 1-based): chr5:225,538, G>T. VCF-style: chr5-225538-G-T. GRCh37 (hg19) VCF-style: chr5-225653-G-T.
Other names: c.432G>T, p.Glu144Asp (NM_001330758.2); c.313-345G>T (NM_001294332.2); short protein forms E144D.
Identifiers: ClinVar variation 4825099 (VCV004825099.1).
Genomic context (GRCh38, chr5:225,538, plus strand): 5'-CGACACCGTGAAGGGCTCCGACTGGCTGGGGGACCAGGATGCCATCCACTACATGACGGA[G>T]CAGGCCCCCGCCGCCGTGGTCGAGGTGATGGGCGGGAGGCTCTGGGTGTTCTCGTGGTCT-3'
Protein context (NP_004159.2, residues 134-154): GDQDAIHYMT[Glu144Asp]QAPAAVVELE

ClinVar aggregate classification (germline): Uncertain significance (1 of 4 stars; one submission).

Conditions:
Hereditary cancer-predisposing syndrome. Also called: Neoplastic Syndromes, Hereditary; Tumor predisposition; Hereditary Cancer Syndrome; Hereditary neoplastic syndrome. Identifiers: Orphanet 140162, MedGen C0027672, MeSH D009386, MONDO:0015356.

Submission:

Ambry Genetics
Classification: Uncertain significance for Hereditary cancer-predisposing syndrome. Last evaluated: 2026-02-09. Review status: criteria provided, single submitter. Criteria: Ambry Variant Classification Scheme 2023. Collection method: clinical testing. Allele origin: germline.
Comment: The p.E144D variant (also known as c.432G>T), located in coding exon 4 of the SDHA gene, results from a G to T substitution at nucleotide position 432. The glutamic acid at codon 144 is replaced by aspartic acid, an amino acid with highly similar properties. This amino acid position is highly conserved in available vertebrate species. In addition, the in silico prediction for this alteration is inconclusive. Based on the available evidence, the clinical significance of this variant remains unclear.